The following is an entry in ClinVar:

NM_001370259.2(MEN1):c.1016del (p.Gln339fs)

Gene: MEN1 (menin 1; minus strand). Cytogenetic location: 11q13.1.
Variant type: Deletion.
Coding change: c.1016del on transcript NM_001370259.2 (MANE Select); coding-DNA position 1016, one base deleted (A; older notation c.1016delA).
Protein change: p.Gln339fs; shifts the reading frame from glutamine 339.
Molecular consequence: frameshift variant. On other transcripts: non-coding transcript variant (4).
Genome position (GRCh38, 1-based): chr11:64,806,265, T deleted on the plus strand (A on the coding strand, the reverse complement: MEN1 is on the minus strand). VCF-style (leftmost placement, unchanged base first): chr11-64806264-CT-C. GRCh37 (hg19) VCF-style: chr11-64573736-CT-C.
Other names: c.1031del, p.Gln344fs (NM_000244.4, NM_001407145.1, NM_001407150.1 and 5 more transcripts); c.1016del, p.Gln339fs (NM_001370251.2, NM_001370260.2, NM_001370261.2 and 7 more transcripts); c.911del, p.Gln304fs (NM_001370262.2, NM_001370263.2, NM_001407148.1 and 2 more transcripts); short protein forms Q304fs, Q339fs, Q344fs.
Identifiers: ClinVar variation 3394987 (VCV003394987.1).

ClinVar aggregate classification (germline): Pathogenic (1 of 4 stars; one submission).

Conditions:
Hereditary cancer-predisposing syndrome. Also called: Hereditary Cancer Syndrome; Tumor predisposition; Hereditary neoplastic syndrome; Neoplastic Syndromes, Hereditary. Identifiers: Orphanet 140162, MedGen C0027672, MeSH D009386, MONDO:0015356.

Submission:

Ambry Genetics
Classification: Pathogenic for Hereditary cancer-predisposing syndrome. Last evaluated: 2024-11-09. Review status: criteria provided, single submitter. Criteria: Ambry Variant Classification Scheme 2023. Collection method: clinical testing. Allele origin: germline.
Comment: The c.1016delA pathogenic mutation, located in coding exon 6 of the MEN1 gene, results from a deletion of one nucleotide at nucleotide position 1016, causing a translational frameshift with a predicted alternate stop codon (p.Q339Rfs*29). This variant is considered to be rare based on population cohorts in the Genome Aggregation Database (gnomAD). In addition to the information presented in the literature, this alteration is expected to result in loss of function by premature protein truncation or nonsense-mediated mRNA decay. As such, this alteration is interpreted as a disease-causing mutation.